The following is an entry in ClinVar:

NM_015559.3(SETBP1):c.3908A>C (p.Tyr1303Ser)

Gene: SETBP1 (SET binding protein 1; plus strand). Cytogenetic location: 18q12.3.
Variant type: single nucleotide variant.
Coding change: c.3908A>C on transcript NM_015559.3 (MANE Select); coding-DNA position 3908, A replaced by C.
Protein change: p.Tyr1303Ser; replaces tyrosine 1303 with serine.
Molecular consequence: missense variant.
Genome position (GRCh38, 1-based): chr18:44,953,248, A>C. VCF-style: chr18-44953248-A-C. GRCh37 (hg19) VCF-style: chr18-42533213-A-C.
Other names: c.3908A>C, p.Tyr1303Ser (NM_001379141.1, NM_001379142.1, NM_001410862.1); short protein forms Y1303S.
Identifiers: ClinVar variation 1947395 (VCV001947395.13), dbSNP rs147082972, ClinGen allele CA8946016.

ClinVar aggregate classification (germline): Likely benign. Review status: criteria provided, multiple submitters, no conflicts (2 of 4 stars). 2 submissions from 2 submitters: Likely benign (2). Last evaluated 2025-11-06.

Allele frequency attached by ClinVar (database versions not stated): gnomAD 0.00004; gnomAD exomes 0.00004; TOPMed 0.00005; ExAC 0.00007; ESP Exome Variant Server 0.00015.
gnomAD v4.1: 64 of 1,614,040 alleles (0.004%); highest among the groups gnomAD compares: Admixed American, 0.01%; no homozygotes.

Submissions (2):

Labcorp Genetics (formerly Invitae), Labcorp
Classification: Likely benign. Last evaluated: 2025-11-06. Review status: criteria provided, single submitter. Criteria: Invitae Variant Classification Sherloc (09022015). Collection method: clinical testing. Allele origin: germline.

CeGaT Center for Human Genetics Tuebingen
Classification: Likely benign. Last evaluated: 2025-08-01. Review status: criteria provided, single submitter. Criteria: CeGaT Center For Human Genetics Tuebingen Variant Classification Criteria Version 2. Collection method: clinical testing. Allele origin: germline. Affected: yes. Observed: 1 variant allele.
Comment: SETBP1: BP4, BS2